The following is an entry in ClinVar:

NM_006390.4(IPO8):c.480T>C (p.Tyr160=)

Gene: IPO8 (importin 8; minus strand). Cytogenetic location: 12p11.21.
Variant type: single nucleotide variant.
Coding change: c.480T>C on transcript NM_006390.4 (MANE Select); coding-DNA position 480, T replaced by C.
Protein change: p.Tyr160=; no amino-acid change (tyrosine 160 retained).
Molecular consequence: synonymous variant.
Genome position (GRCh38, 1-based): chr12:30,681,661, A>G on the plus strand (T>C on the coding strand, the complement: IPO8 is on the minus strand). VCF-style: chr12-30681661-A-G. GRCh37 (hg19) VCF-style: chr12-30834595-A-G.
Identifiers: ClinVar variation 4823556 (VCV004823556.4).

ClinVar aggregate classification (germline): Likely benign (1 of 4 stars; one submission).

gnomAD v4.1: 9 of 1,610,102 alleles (0.00056%); highest among the groups gnomAD compares: East Asian, 0.0022%; no homozygotes.

Submission:

CeGaT Center for Human Genetics Tuebingen
Classification: Likely benign. Last evaluated: 2026-02-01. Review status: criteria provided, single submitter. Criteria: CeGaT Center For Human Genetics Tuebingen Variant Classification Criteria Version 2. Collection method: clinical testing. Allele origin: germline. Affected: yes. Observed: 1 variant allele.
Comment: IPO8: BP4, BP7